The following is an entry in ClinVar:

NM_020361.5(CPA6):c.545G>A (p.Arg182Gln)

Gene: CPA6 (carboxypeptidase A6; minus strand). Cytogenetic location: 8q13.2.
Variant type: single nucleotide variant.
Coding change: c.545G>A on transcript NM_020361.5 (MANE Select); coding-DNA position 545, G replaced by A.
Protein change: p.Arg182Gln; replaces arginine 182 with glutamine.
Molecular consequence: missense variant.
Genome position (GRCh38, 1-based): chr8:67,506,878, C>T on the plus strand (G>A on the coding strand, the complement: CPA6 is on the minus strand). VCF-style: chr8-67506878-C-T. GRCh37 (hg19) VCF-style: chr8-68419113-C-T.
Other names: c.545G>A (NM_020361.4); short protein forms R182Q.
Identifiers: ClinVar variation 1441460 (VCV001441460.10), dbSNP rs765453517, ClinGen allele CA4772937.

ClinVar aggregate classification (germline): Uncertain significance. Review status: criteria provided, multiple submitters, no conflicts (2 of 4 stars). 3 submissions from 3 submitters: Uncertain significance (3). Last evaluated 2025-08-31.

Conditions:
Febrile seizures, familial, 11 (FEB11). Also called: CONVULSIONS, FAMILIAL FEBRILE, 11. Identifiers: MedGen C3280734, MONDO:0024566, OMIM 614418.

Allele frequency attached by ClinVar (database versions not stated): gnomAD 0.00001; gnomAD exomes 0.00001 and 0.00002; ExAC 0.00002; TOPMed 0.00003.
gnomAD v4.1: 21 of 1,612,756 alleles (0.0013%); highest among the groups gnomAD compares: South Asian, 0.0033%; no homozygotes.

Submissions (3):

Ambry Genetics
Classification: Uncertain significance. Last evaluated: 2025-08-31. Review status: criteria provided, single submitter. Criteria: Ambry Variant Classification Scheme 2023. Collection method: clinical testing. Allele origin: germline.

Labcorp Genetics (formerly Invitae), Labcorp
Classification: Uncertain significance for Febrile seizures, familial, 11. Last evaluated: 2021-07-13. Review status: criteria provided, single submitter. Criteria: Invitae Variant Classification Sherloc (09022015). Collection method: clinical testing. Allele origin: germline.
Comment: In summary, the available evidence is currently insufficient to determine the role of this variant in disease. Therefore, it has been classified as a Variant of Uncertain Significance. Algorithms developed to predict the effect of missense changes on protein structure and function are either unavailable or do not agree on the potential impact of this missense change (SIFT: "Tolerated"; PolyPhen-2: "Possibly Damaging"; Align-GVGD: "Class C0"). This variant has not been reported in the literature in individuals with CPA6-related conditions. This variant is present in population databases (rs765453517, ExAC 0.006%). This sequence change replaces arginine with glutamine at codon 182 of the CPA6 protein (p.Arg182Gln). The arginine residue is moderately conserved and there is a small physicochemical difference between arginine and glutamine.

Breakthrough Genomics
Classification: Uncertain significance. Review status: criteria provided, single submitter. Criteria: ACMG Guidelines, 2015. Collection method: not provided. Allele origin: germline. Inheritance: Autosomal recessive inheritance. Affected: yes.